The following is an entry in ClinVar:

NM_021102.4(SPINT2):c.604G>A (p.Ala202Thr)

Gene: SPINT2 (serine peptidase inhibitor, Kunitz type 2; plus strand). Cytogenetic location: 19q13.2.
Variant type: single nucleotide variant.
Coding change: c.604G>A on transcript NM_021102.4 (MANE Select); coding-DNA position 604, G replaced by A.
Protein change: p.Ala202Thr; replaces alanine 202 with threonine.
Molecular consequence: missense variant.
Genome position (GRCh38, 1-based): chr19:38,291,851, G>A. VCF-style: chr19-38291851-G-A. GRCh37 (hg19) VCF-style: chr19-38782491-G-A.
Other names: c.433G>A, p.Ala145Thr (NM_001166103.2); short protein forms A202T, A145T.
Identifiers: ClinVar variation 2116627 (VCV002116627.4), dbSNP rs1968723428, ClinGen allele CA405634876.

ClinVar aggregate classification (germline): Uncertain significance (1 of 4 stars; one submission).

Allele frequency attached by ClinVar (database versions not stated): TOPMed below 0.00001.

Submission:

Labcorp Genetics (formerly Invitae), Labcorp
Classification: Uncertain significance. Last evaluated: 2022-05-16. Review status: criteria provided, single submitter. Criteria: Invitae Variant Classification Sherloc (09022015). Collection method: clinical testing. Allele origin: germline.
Comment: In summary, the available evidence is currently insufficient to determine the role of this variant in disease. Therefore, it has been classified as a Variant of Uncertain Significance. Algorithms developed to predict the effect of missense changes on protein structure and function (SIFT, PolyPhen-2, Align-GVGD) all suggest that this variant is likely to be tolerated. This variant has not been reported in the literature in individuals affected with SPINT2-related conditions. This variant is not present in population databases (gnomAD no frequency). This sequence change replaces alanine, which is neutral and non-polar, with threonine, which is neutral and polar, at codon 202 of the SPINT2 protein (p.Ala202Thr).